The following is an entry in ClinVar:

NM_000202.8(IDS):c.1491_1492dup (p.Arg498fs)

Gene: IDS (iduronate 2-sulfatase; minus strand). Cytogenetic location: Xq28.
Variant type: Microsatellite.
Coding change: c.1491_1492dup on transcript NM_000202.8 (MANE Select); coding-DNA positions 1491 to 1492, 2 bases duplicated (TA; older notation c.1491_1492dupTA).
Protein change: p.Arg498fs; shifts the reading frame from arginine 498.
Molecular consequence: frameshift variant.
Genome position (GRCh38, 1-based): chrX:149,482,907-149,482,908, TA duplicated on the plus strand (TA on the coding strand, the reverse complement: IDS is on the minus strand); duplicating any 2 consecutive bases within chrX:149,482,907-149,482,910 gives the same sequence; the c. name uses the placement nearest the transcript's 3' end. VCF-style (leftmost placement, unchanged base first): chrX-149482906-C-CTA. GRCh37 (hg19) VCF-style: chrX-148564437-C-CTA.
Other names: c.1221_1222dup, p.Arg408fs (NM_001166550.4); short protein forms R408fs, R498fs.
Identifiers: ClinVar variation 988704 (VCV000988704.4), dbSNP rs2089304532, ClinGen allele CA2465003971.
Genomic context (GRCh38, chrX:149,482,906, plus strand): 5'-TGGATGTCAGAAAAGTTAGCTAGAAATTCATCAGGATTGAAGCCAACCCACACAGTATAC[C>CTA]TATAGTCTATGGTGCGTATGGAATAGCCCATGATCTTTATATCTTTTAAACTCGGCTTGT-3'

ClinVar aggregate classification (germline): Pathogenic/Likely pathogenic. Review status: criteria provided, multiple submitters, no conflicts (2 of 4 stars). 3 submissions from 3 submitters: Pathogenic (1); Likely pathogenic (1). 1 of the submissions does not count toward it. Last evaluated 2024-06-07.

Conditions:
Mucopolysaccharidosis, MPS-II (MPS2). Also called: IDS deficiency; Sulfoiduronate sulfatase deficiency; SIDS deficiency; Mucopolysaccharidosis type 2; Mucopolysaccharidosis Type II; Attenuated MPS (subtype; formerly known as mild MPS II). Identifiers: Orphanet 580, Orphanet 79388, MedGen C0026705, MONDO:0010674, OMIM 309900.

Submissions (3):

Laboratory of Diagnosis and Therapy of Lysosomal Disorders, University of Padova
Classification: Pathogenic for Mucopolysaccharidosis, MPS-II. Last evaluated: 2024-06-07. Review status: criteria provided, single submitter. Criteria: ACMG Guidelines, 2015. Collection method: literature only. Allele origin: germline. Affected: yes. Observed: 1 variant allele.
Comment: Null variant (PVS1_Strong), Absent from controls (or at low frequency) in gnomAD database (PM2_Moderate), Patient’s phenotype or family history highly specific for the disease (PP4_Strong)

Classification method: ACMG Guidelines [PMID:25741868] with modifications

Fulgent Genetics
Classification: Likely pathogenic for Mucopolysaccharidosis, MPS-II. Last evaluated: 2024-02-21. Review status: criteria provided, single submitter. Criteria: ACMG Guidelines, 2015. Collection method: clinical testing. Allele origin: germline.

Laboratory of Inherited Metabolic Diseases, Research centre for medical genetics
Classification: Pathogenic for Mucopolysaccharidosis, type II; MPS2. Review status: no assertion criteria provided. Collection method: research. Allele origin: germline. Affected: yes. Not counted in ClinVar's aggregate classification.

Literature cited by the submitters: PubMed 33676511 (cited by Laboratory of Diagnosis and Therapy of Lysosomal Disorders, University of Padova).